The following is an entry in ClinVar:

ClinVar aggregate classification (germline): Uncertain significance (1 of 4 stars; one submission).

Conditions:
Early-infantile DEE. Also called: Ohtahara syndrome; Early infantile epileptic encephalopathy with suppression bursts; Early infantile epileptic encephalopathy. Identifiers: Orphanet 1934, MedGen C0393706, MONDO:0800491.

Allele frequency attached by ClinVar (database versions not stated): TOPMed below 0.00001; gnomAD 0.00001.
gnomAD v4.1: 13 of 1,601,782 alleles (0.00081%); highest among the groups gnomAD compares: Admixed American, 0.0017%; no homozygotes.

Submission:

Labcorp Genetics (formerly Invitae), Labcorp
Classification: Uncertain significance for Early-infantile DEE. Last evaluated: 2022-05-25. Review status: criteria provided, single submitter. Criteria: Invitae Variant Classification Sherloc (09022015). Collection method: clinical testing. Allele origin: germline.
Comment: This sequence change replaces glutamic acid, which is acidic and polar, with lysine, which is basic and polar, at codon 609 of the SCN8A protein (p.Glu609Lys). This variant is not present in population databases (gnomAD no frequency). This variant has not been reported in the literature in individuals affected with SCN8A-related conditions. Algorithms developed to predict the effect of missense changes on protein structure and function are either unavailable or do not agree on the potential impact of this missense change (SIFT: "Deleterious"; PolyPhen-2: "Benign"; Align-GVGD: "Class C0"). In summary, the available evidence is currently insufficient to determine the role of this variant in disease. Therefore, it has been classified as a Variant of Uncertain Significance.

NM_001330260.2(SCN8A):c.1825G>A (p.Glu609Lys)

Gene: SCN8A (sodium voltage-gated channel alpha subunit 8; plus strand). Cytogenetic location: 12q13.13.
Variant type: single nucleotide variant.
Coding change: c.1825G>A on transcript NM_001330260.2 (MANE Select); coding-DNA position 1825, G replaced by A.
Protein change: p.Glu609Lys; replaces glutamic acid 609 with lysine.
Molecular consequence: missense variant.
Genome position (GRCh38, 1-based): chr12:51,721,735, G>A. VCF-style: chr12-51721735-G-A. GRCh37 (hg19) VCF-style: chr12-52115519-G-A.
Other names: c.1825G>A, p.Glu609Lys (NM_001177984.3, NM_001369788.1, NM_014191.4); short protein forms E609K.
Identifiers: ClinVar variation 2087139 (VCV002087139.4), dbSNP rs1355458422, ClinGen allele CA385229666.